The following is an entry in ClinVar:

NM_144999.4(LRRC45):c.1170G>A (p.Leu390=)

Gene: LRRC45 (leucine rich repeat containing 45; plus strand). Cytogenetic location: 17q25.3.
Variant type: single nucleotide variant.
Coding change: c.1170G>A on transcript NM_144999.4 (MANE Select); coding-DNA position 1170, G replaced by A.
Protein change: p.Leu390=; no amino-acid change (leucine 390 retained).
Molecular consequence: synonymous variant.
Genome position (GRCh38, 1-based): chr17:82,028,441, G>A. VCF-style: chr17-82028441-G-A. GRCh37 (hg19) VCF-style: chr17-79986317-G-A.
Identifiers: ClinVar variation 3356882 (VCV003356882.1).

ClinVar aggregate classification (germline): Likely benign (0 of 4 stars; one submission).

Conditions:
LRRC45-related disorder. Also called: LRRC45-related condition.

gnomAD v4.1: 31 of 1,612,670 alleles (0.0019%); highest among the groups gnomAD compares: African/African-American, 0.029%; no homozygotes.

Submission:

PreventionGenetics, part of Exact Sciences
Classification: Likely benign for LRRC45-related condition. Last evaluated: 2024-08-24. Review status: no assertion criteria provided. Collection method: clinical testing. Allele origin: germline.
Comment: This variant is classified as likely benign based on ACMG/AMP sequence variant interpretation guidelines (Richards et al. 2015 PMID: 25741868, with internal and published modifications).